The following is an entry in ClinVar:

ClinVar aggregate classification (germline): Conflicting classifications of pathogenicity. Review status: criteria provided, conflicting classifications (1 of 4 stars). 3 submissions from 3 submitters: Likely pathogenic (1); Uncertain significance (2). Last evaluated 2025-07-08.

Conditions:
Hereditary breast ovarian cancer syndrome. Also called: Hereditary breast and ovarian cancer; Hereditary breast and ovarian cancer syndrome (HBOC); Breast and ovarian cancer; Hereditary breast and/or ovarian cancer syndrome; BRCA1- and BRCA2-Associated Hereditary Breast and Ovarian Cancer; Hereditary breast and ovarian cancer syndrome. Identifiers: Orphanet 145, MedGen C0677776, MeSH D061325, MONDO:0003582. Disease mechanism: loss of function.
Hereditary cancer-predisposing syndrome. Also called: Neoplastic Syndromes, Hereditary; Tumor predisposition; Hereditary Cancer Syndrome; Hereditary neoplastic syndrome. Identifiers: Orphanet 140162, MedGen C0027672, MeSH D009386, MONDO:0015356.

Submissions (4):

German Consortium for Hereditary Breast and Ovarian Cancer, University Hospital Cologne
Classification: Uncertain significance for Hereditary breast ovarian cancer syndrome. Last evaluated: 2025-07-08. Review status: criteria provided, single submitter. Criteria: ClinGen BRCA1 V1.1.0. Collection method: curation. Allele origin: germline.
Comment: This classification follows the ClinGen ENIGMA BRCA1 v1.1.0 classification scheme; We chose these criteria: PS3 (strong pathogenic): Reported by one calibrated study to exhibit protein function similar to pathogenic control variants (PMID:30209399) (PS3 met)., PM2 (supporting pathogenic): absent from gnomAD v2/3/4

Color Diagnostics, LLC DBA Color Health
Classification: Uncertain significance for Hereditary cancer-predisposing syndrome. Last evaluated: 2022-03-22. Review status: criteria provided, single submitter. Criteria: ACMG Guidelines, 2015. Collection method: clinical testing. Allele origin: germline.
Comment: This missense variant replaces glutamine with proline at codon 1721 of the BRCA1 protein. Computational prediction suggests that this variant may have deleterious impact on protein structure and function (internally defined REVEL score threshold >= 0.7, PMID: 27666373). This variant has been reported to be loss-of-function in a haploid cell proliferation assay (PMID: 30209399). This variant has been reported in individuals affected with breast cancer (PMID: 32803532). This variant has not been identified in the general population by the Genome Aggregation Database (gnomAD). The available evidence is insufficient to determine the role of this variant in disease conclusively. Therefore, this variant is classified as a Variant of Uncertain Significance.

Breast Center, Key Laboratory of Carcinogenesis and Translational Research
Classification: Likely pathogenic for Hereditary breast and ovarian cancer syndrome. Last evaluated: 2020-05-01. Review status: criteria provided, single submitter. Criteria: ACMG Guidelines, 2015. Collection method: clinical testing. Allele origin: germline. Observed: 2 variant alleles.

Brotman Baty Institute, University of Washington
No classification provided (evidence only). Condition: Breast-ovarian cancer, familial 1. Review status: no classification provided. Collection method: in vitro. Allele origin: not applicable. Functional consequence: functionally_abnormal. Not counted in ClinVar's aggregate classification.
ClinVar note: "not provided" was previously submitted as the classification for the variant. However, the classification appeared to be based only on an observation of functional data so it was converted to no classification on 2025-07-30.

Literature cited by the submitters: PubMed 30209399 (cited by Color Diagnostics, LLC DBA Color Health and Breast Center, Key Laboratory of Carcinogenesis and Translational Research); PubMed 32803532 (cited by Color Diagnostics, LLC DBA Color Health).

NM_007294.4(BRCA1):c.5162A>C (p.Gln1721Pro)

Gene: BRCA1 (BRCA1 DNA repair associated; minus strand). Cytogenetic location: 17q21.31.
Variant type: single nucleotide variant.
Coding change: c.5162A>C on transcript NM_007294.4 (MANE Select); coding-DNA position 5162, A replaced by C.
Protein change: p.Gln1721Pro; replaces glutamine 1721 with proline.
Molecular consequence: missense variant. On other transcripts: non-coding transcript variant (1).
Genome position (GRCh38, 1-based): chr17:43,063,364, T>G on the plus strand (A>C on the coding strand, the complement: BRCA1 is on the minus strand). VCF-style: chr17-43063364-T-G. GRCh37 (hg19) VCF-style: chr17-41215381-T-G.
Other names: c.5021A>C, p.Gln1674Pro (NM_001407698.1, NM_007297.4, NM_001407692.1 and 13 more transcripts); c.5018A>C, p.Gln1673Pro (NM_001407734.1, NM_001407735.1, NM_001407736.1 and 21 more transcripts); c.5015A>C, p.Gln1672Pro (NM_001407838.1, NM_001407839.1, NM_001407841.1 and 12 more transcripts); c.5156A>C, p.Gln1719Pro (NM_001407861.1, NM_001407629.1, NM_001407630.1 and 14 more transcripts); c.4961A>C, p.Gln1654Pro (NM_001407862.1); c.4958A>C, p.Gln1653Pro (NM_001407863.1); c.4955A>C, p.Gln1652Pro (NM_001407874.1, NM_001407875.1); c.4952A>C, p.Gln1651Pro (NM_001407879.1, NM_001407881.1, NM_001407882.1 and 5 more transcripts); and 72 more; short protein forms Q1742P, Q1674P, Q1721P, Q617P, Q1567P, Q1631P, Q1673P, Q1679P.
Identifiers: ClinVar variation 867754 (VCV000867754.8), dbSNP rs2051867806, ClinGen allele CA10591222.
Genomic context (GRCh38, chr17:43,063,364, plus strand): 5'-CTGGTTAGTTTGTAACATCAAGTACTTACCTCATTCAGCATTTTTCTTTCTTTAATAGAC[T>G]GGGTCACCCCTAAAGAGATCATAGAAAAGACAGGTTACATACAGCAGAAGAACGTGCTCT-3'
Protein context (NP_009225.1, residues 1711-1731): KWVVSYFWVT[Gln1721Pro]SIKERKMLNE